The following is an entry in ClinVar:

ClinVar aggregate classification (germline): Uncertain significance (1 of 4 stars; one submission).

Conditions:
Inborn genetic diseases. Identifiers: MedGen C0950123, MeSH D030342.

Allele frequency attached by ClinVar (database versions not stated): ExAC 0.00001; gnomAD 0.00001; TOPMed 0.00002.
gnomAD v4.1: 2 of 1,614,076 alleles (0.00012%); highest among the groups gnomAD compares: African/African-American, 0.0027%; no homozygotes.

Submission:

Ambry Genetics
Classification: Uncertain significance for Inborn genetic diseases. Last evaluated: 2024-03-01. Review status: criteria provided, single submitter. Criteria: Ambry Variant Classification Scheme 2023. Collection method: clinical testing. Allele origin: germline.
Comment: The p.G538R variant (also known as c.1612G>C), located in coding exon 12 of the ACD gene, results from a G to C substitution at nucleotide position 1612. The glycine at codon 538 is replaced by arginine, an amino acid with dissimilar properties. This amino acid position is conserved. In addition, this alteration is predicted to be tolerated by in silico analysis. Since supporting evidence is limited at this time, the clinical significance of this alteration remains unclear.

NM_001082486.2(ACD):c.1354G>C (p.Gly452Arg)

Gene: ACD (ACD shelterin complex subunit and telomerase recruitment factor; minus strand). Cytogenetic location: 16q22.1.
Variant type: single nucleotide variant.
Coding change: c.1354G>C on transcript NM_001082486.2 (MANE Select); coding-DNA position 1354, G replaced by C.
Protein change: p.Gly452Arg; replaces glycine 452 with arginine.
Molecular consequence: missense variant.
Genome position (GRCh38, 1-based): chr16:67,657,629, C>G on the plus strand (G>C on the coding strand, the complement: ACD is on the minus strand). VCF-style: chr16-67657629-C-G. GRCh37 (hg19) VCF-style: chr16-67691532-C-G.
Other names: c.1267G>C, p.Gly423Arg (NM_001410884.1); c.1345G>C, p.Gly449Arg (NM_022914.3); short protein forms G423R, G449R, G452R.
Identifiers: ClinVar variation 1776427 (VCV001776427.2), dbSNP rs768831097, ClinGen allele CA8114357.
Genomic context (GRCh38, chr16:67,657,629, plus strand): 5'-AGCAGAGTGTGGAGCGGTATCTGTCCTGCGTGACGTCTCACATCGGAGTTGGCTCAGACC[C>G]TGGCTGTGCATCCATCAGAAAGTGCAAGGCCCAGGCCATGAGCTGGGGAGGAAGCCTGGA-3'
Protein context (NP_001075955.2, residues 442-458): ALHFLMDAQP[Gly452Arg]SEPTPM